The following is an entry in ClinVar:

NM_000038.6(APC):c.3096del (p.Asp1033fs)

Gene: APC (APC regulator of Wnt signaling pathway; plus strand). Cytogenetic location: 5q22.2.
Variant type: Deletion.
Coding change: c.3096del on transcript NM_000038.6 (MANE Select); coding-DNA position 3096, one base deleted (A; older notation c.3096delA).
Protein change: p.Asp1033fs; shifts the reading frame from aspartic acid 1033.
Molecular consequence: frameshift variant.
Genome position (GRCh38, 1-based): chr5:112,838,690, A deleted. VCF-style (leftmost placement, unchanged base first): chr5-112838689-CA-C. GRCh37 (hg19) VCF-style: chr5-112174386-CA-C.
Other names: c.3096del, p.Asp1033fs (NM_001127510.3, NM_001354895.2); c.3042del, p.Asp1015fs (NM_001127511.3); c.3150del, p.Asp1051fs (NM_001354896.2); c.3126del, p.Asp1043fs (NM_001354897.2); c.3021del, p.Asp1008fs (NM_001354898.2); c.3012del, p.Asp1005fs (NM_001354899.2); c.2973del, p.Asp992fs (NM_001354900.2); c.2919del, p.Asp974fs (NM_001354901.2); and 5 more; short protein forms D1005fs, D1008fs, D1033fs, D1043fs, D932fs, D992fs, D974fs, D1015fs.
Identifiers: ClinVar variation 1437156 (VCV001437156.6), dbSNP rs2149884247, ClinGen allele CA2573138670.

ClinVar aggregate classification (germline): Pathogenic (1 of 4 stars; one submission).

Conditions:
Familial adenomatous polyposis 1 (FAP1). Also called: FAMILIAL ADENOMATOUS POLYPOSIS 1, ATTENUATED; POLYPOSIS, ADENOMATOUS INTESTINAL. Identifiers: MedGen C2713442, MONDO:0021056, OMIM 175100. Disease mechanism: loss of function.

Submission:

Labcorp Genetics (formerly Invitae), Labcorp
Classification: Pathogenic for Familial adenomatous polyposis 1. Last evaluated: 2021-08-27. Review status: criteria provided, single submitter. Criteria: Invitae Variant Classification Sherloc (09022015). Collection method: clinical testing. Allele origin: germline.
Comment: This variant is expected to disrupt the EB1 and HDLG binding sites, which mediate interactions with the cytoskeleton (PMID: 15311282, 17293347). While functional studies have not been performed to directly test the effect on APC protein function, this suggests that disruption of the C-terminal portion of the protein is functionally important. For these reasons, this variant has been classified as Pathogenic. A different truncation (p.Tyr2645Lysfs*14) that lies downstream of this variant has been determined to be pathogenic (PMID: 9824584, 1316610, 27081525, 8381579, 22135120, Invitae). This suggests that deletion of this region of the APC protein is causative of disease. This variant has not been reported in the literature in individuals affected with APC-related conditions. This variant is not present in population databases (ExAC no frequency). This sequence change creates a premature translational stop signal (p.Asp1033Metfs*4) in the APC gene. While this is not anticipated to result in nonsense mediated decay, it is expected to disrupt the last 1811 amino acid(s) of the APC protein.

Literature cited by the submitters: PubMed 15311282; PubMed 17293347; PubMed 9824584; PubMed 1316610; PubMed 27081525; PubMed 8381579; PubMed 22135120.